The following is an entry in ClinVar:

NM_000368.5(TSC1):c.1536C>T (p.Leu512=)

Gene: TSC1 (TSC complex subunit 1; minus strand). Cytogenetic location: 9q34.13.
Variant type: single nucleotide variant.
Coding change: c.1536C>T on transcript NM_000368.5 (MANE Select); coding-DNA position 1536, C replaced by T.
Protein change: p.Leu512=; no amino-acid change (leucine 512 retained).
Molecular consequence: synonymous variant.
Genome position (GRCh38, 1-based): chr9:132,906,042, G>A on the plus strand (C>T on the coding strand, the complement: TSC1 is on the minus strand). VCF-style: chr9-132906042-G-A. GRCh37 (hg19) VCF-style: chr9-135781429-G-A.
Other names: c.1533C>T, p.Leu511= (NM_001162426.2); c.1383C>T, p.Leu461= (NM_001162427.2); c.1173C>T, p.Leu391= (NM_001362177.2); c.1536C>T (NM_000368.4).
Identifiers: ClinVar variation 1626754 (VCV001626754.16), dbSNP rs1264512400, ClinGen allele CA467591104.

ClinVar aggregate classification (germline): Benign/Likely benign. Review status: criteria provided, multiple submitters, no conflicts (2 of 4 stars). 4 submissions from 4 submitters: Benign (1); Likely benign (3). Last evaluated 2025-04-10.

Conditions:
Hereditary cancer-predisposing syndrome. Also called: Hereditary Cancer Syndrome; Tumor predisposition; Neoplastic Syndromes, Hereditary; Hereditary neoplastic syndrome. Identifiers: Orphanet 140162, MedGen C0027672, MeSH D009386, MONDO:0015356.
Lymphangiomyomatosis (LAM). Also called: Lymphangioleiomyomatosis; Lymphangioleiomyomatosis, somatic. Identifiers: Orphanet 538, MedGen C0751674, MONDO:0011705, OMIM 606690.
Isolated focal cortical dysplasia type II (FCORD2). Also called: CORTICAL DYSPLASIA OF TAYLOR; Focal cortical dysplasia type II. Identifiers: Orphanet 268994, MedGen C1846385, MONDO:0011818, OMIM 607341, HP:0032051.
Tuberous sclerosis 1 (TSC1). Identifiers: Orphanet 805, MedGen C1854465, MONDO:0008612, OMIM 191100.

Allele frequency attached by ClinVar (database versions not stated): TOPMed 0.00001.

Submissions (4):

Myriad Genetics, Inc.
Classification: Benign for Tuberous sclerosis 1. Last evaluated: 2025-04-10. Review status: criteria provided, single submitter. Criteria: Myriad Autosomal Dominant, Autosomal Recessive and X-Linked Classification Criteria (2023). Collection method: clinical testing. Allele origin: unknown.
Comment: This variant is considered benign. This variant is a silent/synonymous amino acid change and it is not expected to impact splicing.

Ambry Genetics
Classification: Likely benign for Hereditary cancer-predisposing syndrome. Last evaluated: 2023-05-13. Review status: criteria provided, single submitter. Criteria: Ambry Variant Classification Scheme 2023. Collection method: clinical testing. Allele origin: germline.

Labcorp Genetics (formerly Invitae), Labcorp
Classification: Likely benign for Tuberous sclerosis 1. Last evaluated: 2023-03-04. Review status: criteria provided, single submitter. Criteria: Invitae Variant Classification Sherloc (09022015). Collection method: clinical testing. Allele origin: germline.

Fulgent Genetics
Classification: Likely benign for Tuberous sclerosis 1; Lymphangiomyomatosis; Isolated focal cortical dysplasia type II. Last evaluated: 2022-01-18. Review status: criteria provided, single submitter. Criteria: ACMG Guidelines, 2015. Collection method: clinical testing. Allele origin: unknown.